The following is an entry in ClinVar:

NM_002474.3(MYH11):c.4117-6T>G

Genes: MYH11 (myosin heavy chain 11; minus strand), NDE1 (nudE neurodevelopment protein 1; plus strand). Cytogenetic location: 16p13.11.
Variant type: single nucleotide variant.
Coding change: c.4117-6T>G on transcript NM_002474.3 (MANE Select); 6 bases into the intron before coding-DNA position 4117, T replaced by G.
Molecular consequence: intron variant. On other transcripts: 3 prime UTR variant (2).
Genome position (GRCh38, 1-based): chr16:15,724,415, A>C on the plus strand (T>G on the coding strand, the complement: MYH11 is on the minus strand). VCF-style: chr16-15724415-A-C. GRCh37 (hg19) VCF-style: chr16-15818272-A-C.
Other names: c.*164A>C (NM_001143979.2, NM_017668.3); c.4117-6T>G (NM_022844.3); c.4138-6T>G (NM_001040114.2, NM_001040113.2).
Identifiers: ClinVar variation 629821 (VCV000629821.16), dbSNP rs370252949, ClinGen allele CA7921757.

ClinVar aggregate classification (germline): Conflicting classifications of pathogenicity. Review status: criteria provided, conflicting classifications (1 of 4 stars). 6 submissions from 5 submitters: Uncertain significance (4); Likely benign (2). Last evaluated 2025-10-29.

Conditions:
Aortic aneurysm, familial thoracic 4 (AAT4). Also called: AORTIC ANEURYSM/AORTIC DISSECTION AND PATENT DUCTUS ARTERIOSUS. Identifiers: MedGen C1851504, MONDO:0007568, OMIM 132900.
Megacystis-microcolon-intestinal hypoperistalsis syndrome 2. Identifiers: MedGen C5543476, MONDO:0025708, OMIM 619351.
Visceral myopathy 2. Identifiers: MedGen C5543466, MONDO:0859157, OMIM 619350.
Familial thoracic aortic aneurysm and aortic dissection (TAAD). Also called: Thoracic aortic aneurysms and dissections. Identifiers: Orphanet 91387, MedGen C4707243, MONDO:0019625.

Allele frequency attached by ClinVar (database versions not stated): gnomAD exomes 0.00001 and 0.00003; ExAC 0.00003; gnomAD 0.00007 and 0.00010; TOPMed 0.00012; ESP Exome Variant Server 0.00023.
gnomAD v4.1: 20 of 1,613,592 alleles (0.0012%); highest among the groups gnomAD compares: African/African-American, 0.024%; no homozygotes.

Submissions (6):

Labcorp Genetics (formerly Invitae), Labcorp
Classification: Likely benign for Aortic aneurysm, familial thoracic 4. Last evaluated: 2025-10-29. Review status: criteria provided, single submitter. Criteria: Invitae Variant Classification Sherloc (09022015). Collection method: clinical testing. Allele origin: germline.

Color Diagnostics, LLC DBA Color Health
Classification: Likely benign for Familial thoracic aortic aneurysm and aortic dissection. Last evaluated: 2025-09-30. Review status: criteria provided, single submitter. Criteria: ACMG Guidelines, 2015. Collection method: clinical testing. Allele origin: germline.

GeneDx
Classification: Uncertain significance. Last evaluated: 2024-05-07. Review status: criteria provided, single submitter. Criteria: GeneDx Variant Classification Process June 2021. Collection method: clinical testing. Allele origin: germline. Affected: yes.
Comment: In silico analysis indicates that this variant does not alter splicing; Has not been previously published as pathogenic or benign to our knowledge

All of Us Research Program, National Institutes of Health
Classification: Uncertain significance for Familial thoracic aortic aneurysm and aortic dissection. Last evaluated: 2023-12-18. Review status: criteria provided, single submitter. Criteria: ACMG Guidelines, 2015. Collection method: clinical testing. Allele origin: germline. Inheritance: Autosomal dominant inheritance. Observed: 4 variant alleles, 4 heterozygotes.
Comment: This variant causes a T to G nucleotide substitution at the -6 position of intron 31 of the MYH11 gene. Computational splicing tools suggest that this variant may impact RNA splicing. To our knowledge, functional studies have not been reported for this variant. This variant has not been reported in individuals affected with MYH11-related disorders in the literature. This variant has been identified in 8/280618 chromosomes in the general population by the Genome Aggregation Database (gnomAD). The available evidence is insufficient to determine the role of this variant in disease conclusively. Therefore, this variant is classified as a Variant of Uncertain Significance.

This study involves interpretation of variants in research participants for the purpose of population health screening. Participant phenotype was not available at the time of variant classification. Additional details can be found in publication PMID: 35346344, PMCID: PMC8962531

Center for Genomics, Ann and Robert H. Lurie Children's Hospital of Chicago
Classification: Uncertain significance for Aortic aneurysm, familial thoracic 4. Last evaluated: 2020-12-08. Review status: criteria provided, single submitter. Criteria: ACMG Guidelines, 2015. Collection method: clinical testing. Allele origin: germline.
Comment: MYH11 NM_002474.3 exon 31 c.4117-6T>G: This variant has not been reported in the literature but is present in 0.03% (8/24398) of African alleles in the Genome Aggregation Database. This variant is present in ClinVar (Variation ID:629821). Evolutionary conservation and computational predictive tools for this variant are limited or unavailable. This variant is an intronic variant with no predicted change in the amino acid sequence but may have an unknown effect on splicing. Further studies are needed to understand its impact. In summary, data on this variant is insufficient for disease classification. Therefore, the clinical significance of this variant is uncertain.

Center for Genomics, Ann and Robert H. Lurie Children's Hospital of Chicago
Classification: Uncertain significance for Megacystis-microcolon-intestinal hypoperistalsis syndrome 2; Aortic aneurysm, familial thoracic 4; Visceral myopathy 2. Review status: criteria provided, single submitter. Criteria: ACMG Guidelines, 2015. Collection method: clinical testing. Allele origin: germline.
Comment: MYH11 NM_002474.3 exon 31 c.4117-6T>G: This variant has not been reported in the literature but is present in 0.03% (8/24398) of African alleles in the Genome Aggregation Database. This variant is present in ClinVar (Variation ID:629821). Evolutionary conservation and computational predictive tools for this variant are limited or unavailable. This variant is an intronic variant with no predicted change in the amino acid sequence but may have an unknown effect on splicing. Further studies are needed to understand its impact. In summary, data on this variant is insufficient for disease classification. Therefore, the clinical significance of this variant is uncertain